The following is an entry in ClinVar:

ClinVar aggregate classification (germline): Conflicting classifications of pathogenicity. Review status: criteria provided, conflicting classifications (1 of 4 stars). 4 submissions from 4 submitters: Uncertain significance (3); Likely benign (1). Last evaluated 2026-04-07.

Conditions:
Inborn genetic diseases. Identifiers: MedGen C0950123, MeSH D030342.
Leukocyte adhesion deficiency type II. Also called: CONGENITAL DISORDER OF GLYCOSYLATION, TYPE IIc; CDG IIc; Congenital disorder of glycosylation type 2C; CDG 2C; Leukocyte adhesion deficiency type 2; Rambam Hasharon syndrome. Identifiers: Orphanet 2968, Orphanet 99843, MedGen C0398739, MONDO:0009953, OMIM 266265.

Allele frequency attached by ClinVar (database versions not stated): TOPMed 0.00050; gnomAD 0.00062 and 0.00064; ExAC 0.00002; gnomAD exomes 0.00007 and 0.00021.
gnomAD v4.1: 193 of 1,612,736 alleles (0.012%); highest among the groups gnomAD compares: Admixed American, 0.28%; 2 homozygotes.

Submissions (4):

Women's Health and Genetics/Laboratory Corporation of America, LabCorp
Classification: Uncertain significance. Last evaluated: 2026-04-07. Review status: criteria provided, single submitter. Criteria: LabCorp Variant Classification Summary - May 2015. Collection method: clinical testing. Allele origin: germline.

Labcorp Genetics (formerly Invitae), Labcorp
Classification: Uncertain significance for Leukocyte adhesion deficiency type II. Last evaluated: 2025-01-13. Review status: criteria provided, single submitter. Criteria: Invitae Variant Classification Sherloc (09022015). Collection method: clinical testing. Allele origin: germline.
Comment: This sequence change replaces arginine, which is basic and polar, with histidine, which is basic and polar, at codon 256 of the SLC35C1 protein (p.Arg256His). This variant is present in population databases (rs751906696, gnomAD 0.2%). This variant has not been reported in the literature in individuals affected with SLC35C1-related conditions. ClinVar contains an entry for this variant (Variation ID: 657718). Invitae Evidence Modeling of protein sequence and biophysical properties (such as structural, functional, and spatial information, amino acid conservation, physicochemical variation, residue mobility, and thermodynamic stability) indicates that this missense variant is not expected to disrupt SLC35C1 protein function with a negative predictive value of 80%. In summary, the available evidence is currently insufficient to determine the role of this variant in disease. Therefore, it has been classified as a Variant of Uncertain Significance.

Ambry Genetics
Classification: Likely benign for Inborn genetic diseases. Last evaluated: 2021-09-15. Review status: criteria provided, single submitter. Criteria: Ambry Variant Classification Scheme 2023. Collection method: clinical testing. Allele origin: germline.

Fulgent Genetics
Classification: Uncertain significance for Leukocyte adhesion deficiency type II. Last evaluated: 2021-07-22. Review status: criteria provided, single submitter. Criteria: ACMG Guidelines, 2015. Collection method: clinical testing. Allele origin: unknown.

NM_018389.5(SLC35C1):c.767G>A (p.Arg256His)

Gene: SLC35C1 (solute carrier family 35 member C1; plus strand). Cytogenetic location: 11p11.2.
Variant type: single nucleotide variant.
Coding change: c.767G>A on transcript NM_018389.5 (MANE Select); coding-DNA position 767, G replaced by A.
Protein change: p.Arg256His; replaces arginine 256 with histidine.
Molecular consequence: missense variant.
Genome position (GRCh38, 1-based): chr11:45,811,007, G>A. VCF-style: chr11-45811007-G-A. GRCh37 (hg19) VCF-style: chr11-45832558-G-A.
Other names: c.728G>A, p.Arg243His (NM_001145265.2, NM_001145266.2); short protein forms R256H, R243H.
Identifiers: ClinVar variation 657718 (VCV000657718.9), dbSNP rs751906696, ClinGen allele CA5958331.